The following is an entry in ClinVar:

ClinVar aggregate classification (germline): Uncertain significance (1 of 4 stars; one submission).

Conditions:
Inborn genetic diseases. Identifiers: MedGen C0950123, MeSH D030342.

gnomAD v4.1: 1 of 1,614,070 alleles (0.000062%); highest among the groups gnomAD compares: Non-Finnish European, 0.000085%; no homozygotes.

Submission:

Ambry Genetics
Classification: Uncertain significance for Inborn genetic diseases. Last evaluated: 2025-07-18. Review status: criteria provided, single submitter. Criteria: Ambry Variant Classification Scheme 2023. Collection method: clinical testing. Allele origin: germline.
Comment: The p.K663N variant (also known as c.1989G>T), located in coding exon 8 of the MECOM gene, results from a G to T substitution at nucleotide position 1989. The lysine at codon 663 is replaced by asparagine, an amino acid with similar properties. This amino acid position is conserved. In addition, this alteration is predicted to be tolerated by in silico analysis. Based on the available evidence, the clinical significance of this variant remains unclear.

NM_004991.4(MECOM):c.1989G>T (p.Lys663Asn)

Gene: MECOM (MDS1 and EVI1 complex locus; minus strand). Cytogenetic location: 3q26.2.
Variant type: single nucleotide variant.
Coding change: c.1989G>T on transcript NM_004991.4 (MANE Select); coding-DNA position 1989, G replaced by T.
Protein change: p.Lys663Asn; replaces lysine 663 with asparagine.
Molecular consequence: missense variant. On other transcripts: intron variant (2).
Genome position (GRCh38, 1-based): chr3:169,115,883, C>A on the plus strand (G>T on the coding strand, the complement: MECOM is on the minus strand). VCF-style: chr3-169115883-C-A. GRCh37 (hg19) VCF-style: chr3-168833671-C-A.
Other names: c.1133-116G>T (NM_001366473.2); c.569-116G>T (NM_001366474.2); c.1620G>T, p.Lys540Asn (NM_001105077.4); c.1425G>T, p.Lys475Asn (NM_001105078.4, NM_001164000.2, NM_001205194.2 and 4 more transcripts); c.1428G>T, p.Lys476Asn (NM_001163999.2, NM_001366467.2, NM_001366468.2 and 1 more transcripts); c.1989G>T, p.Lys663Asn (NM_001366466.2); short protein forms K476N, K540N, K663N, K475N.
Identifiers: ClinVar variation 4105779 (VCV004105779.1).